The following is an entry in ClinVar:

NM_004168.4(SDHA):c.399G>A (p.Leu133=)

Gene: SDHA (succinate dehydrogenase complex flavoprotein subunit A; plus strand). Cytogenetic location: 5p15.33.
Variant type: single nucleotide variant.
Coding change: c.399G>A on transcript NM_004168.4 (MANE Select); coding-DNA position 399, G replaced by A.
Protein change: p.Leu133=; no amino-acid change (leucine 133 retained).
Molecular consequence: synonymous variant. On other transcripts: intron variant (1).
Genome position (GRCh38, 1-based): chr5:225,505, G>A. VCF-style: chr5-225505-G-A. GRCh37 (hg19) VCF-style: chr5-225620-G-A.
Other names: c.399G>A, p.Leu133= (NM_001330758.2); c.313-378G>A (NM_001294332.2).
Identifiers: ClinVar variation 3904426 (VCV003904426.1).

ClinVar aggregate classification (germline): Benign (1 of 4 stars; one submission).

Conditions:
Pheochromocytoma/paraganglioma syndrome 5. Also called: Paragangliomas 5; SDHA-Related Hereditary Paraganglioma-Pheochromocytoma Syndrome. Identifiers: Orphanet 29072, MedGen C3279992, MONDO:0013602, OMIM 614165.

Submission:

Myriad Genetics, Inc.
Classification: Benign for Pheochromocytoma/paraganglioma syndrome 5. Last evaluated: 2025-02-28. Review status: criteria provided, single submitter. Criteria: Myriad Autosomal Dominant, Autosomal Recessive and X-Linked Classification Criteria (2023). Collection method: clinical testing. Allele origin: unknown.
Comment: This variant is considered benign. This variant is a silent/synonymous amino acid change and it is not expected to impact splicing.